The following is an entry in ClinVar:

ClinVar aggregate classification (germline): Uncertain significance (0 of 4 stars; one submission).

Conditions:
CEP290-related disorder. Also called: CEP290-related condition; CEP290-related disorders. Identifiers: MedGen CN239314.

Submission:

PreventionGenetics, part of Exact Sciences
Classification: Uncertain significance for CEP290-related condition. Last evaluated: 2024-04-19. Review status: no assertion criteria provided. Collection method: clinical testing. Allele origin: germline.
Comment: The CEP290 c.3398C>A variant is predicted to result in the amino acid substitution p.Ala1133Asp. To our knowledge, this variant has not been reported in the literature or in a large population database, indicating this variant is rare. At this time, the clinical significance of this variant is uncertain due to the absence of conclusive functional and genetic evidence.

NM_025114.4(CEP290):c.3398C>A (p.Ala1133Asp)

Gene: CEP290 (centrosomal protein 290; minus strand). Cytogenetic location: 12q21.32.
Variant type: single nucleotide variant.
Coding change: c.3398C>A on transcript NM_025114.4 (MANE Select); coding-DNA position 3398, C replaced by A.
Protein change: p.Ala1133Asp; replaces alanine 1133 with aspartic acid.
Molecular consequence: missense variant.
Genome position (GRCh38, 1-based): chr12:88,092,744, G>T on the plus strand (C>A on the coding strand, the complement: CEP290 is on the minus strand). VCF-style: chr12-88092744-G-T. GRCh37 (hg19) VCF-style: chr12-88486521-G-T.
Other names: short protein forms A1133D.
Identifiers: ClinVar variation 3344485 (VCV003344485.1).
Genomic context (GRCh38, chr12:88,092,744, plus strand): 5'-GACACTTCAACTTTTAGTTCCATTTCATTCTTCTCTAATTCTAGAATCCGTTGCCTATCA[G>T]CATCACTTACTGCCTTGCTCACACTATCAGCTAATTCATCTCTTAACATCTGTTCCACCT-3'
Protein context (NP_079390.3, residues 1123-1143): ADSVSKAVSD[Ala1133Asp]DRQRILELEK